The following is an entry in ClinVar:

NM_005956.4(MTHFD1):c.1504A>T (p.Ile502Phe)

Gene: MTHFD1 (methylenetetrahydrofolate dehydrogenase, cyclohydrolase and formyltetrahydrofolate synthetase 1; plus strand). Cytogenetic location: 14q23.3.
Variant type: single nucleotide variant.
Coding change: c.1504A>T on transcript NM_005956.4 (MANE Select); coding-DNA position 1504, A replaced by T.
Protein change: p.Ile502Phe; replaces isoleucine 502 with phenylalanine.
Molecular consequence: missense variant.
Genome position (GRCh38, 1-based): chr14:64,435,578, A>T. VCF-style: chr14-64435578-A-T. GRCh37 (hg19) VCF-style: chr14-64902296-A-T.
Other names: c.1504A>T, p.Ile502Phe (NM_001364837.1); short protein forms I502F.
Identifiers: ClinVar variation 1379588 (VCV001379588.6), dbSNP rs568267898, ClinGen allele CA7226278.

ClinVar aggregate classification (germline): Uncertain significance (1 of 4 stars; one submission).

Allele frequency attached by ClinVar (database versions not stated): gnomAD 0.00001 and 0.00002; ExAC 0.00003; 1000 Genomes Project 0.00020; 1000 Genomes Project 30x 0.00031.
gnomAD v4.1: 200 of 1,592,244 alleles (0.013%); highest among the groups gnomAD compares: Non-Finnish European, 0.017%; no homozygotes.

Submission:

Labcorp Genetics (formerly Invitae), Labcorp
Classification: Uncertain significance. Last evaluated: 2024-05-02. Review status: criteria provided, single submitter. Criteria: Invitae Variant Classification Sherloc (09022015). Collection method: clinical testing. Allele origin: germline.
Comment: This sequence change replaces isoleucine, which is neutral and non-polar, with phenylalanine, which is neutral and non-polar, at codon 502 of the MTHFD1 protein (p.Ile502Phe). This variant is present in population databases (rs568267898, gnomAD 0.01%). This variant has not been reported in the literature in individuals affected with MTHFD1-related conditions. ClinVar contains an entry for this variant (Variation ID: 1379588). Advanced modeling of protein sequence and biophysical properties (such as structural, functional, and spatial information, amino acid conservation, physicochemical variation, residue mobility, and thermodynamic stability) performed at Invitae indicates that this missense variant is expected to disrupt MTHFD1 protein function with a positive predictive value of 80%. In summary, the available evidence is currently insufficient to determine the role of this variant in disease. Therefore, it has been classified as a Variant of Uncertain Significance.